The following is an entry in ClinVar:

NM_002427.4(MMP13):c.968C>T (p.Thr323Met)

Gene: MMP13 (matrix metallopeptidase 13; minus strand). Cytogenetic location: 11q22.2.
Variant type: single nucleotide variant.
Coding change: c.968C>T on transcript NM_002427.4 (MANE Select); coding-DNA position 968, C replaced by T.
Protein change: p.Thr323Met; replaces threonine 323 with methionine.
Molecular consequence: missense variant.
Genome position (GRCh38, 1-based): chr11:102,949,108, G>A on the plus strand (C>T on the coding strand, the complement: MMP13 is on the minus strand). VCF-style: chr11-102949108-G-A. GRCh37 (hg19) VCF-style: chr11-102819837-G-A.
Other names: short protein forms T323M.
Identifiers: ClinVar variation 301981 (VCV000301981.13), dbSNP rs185832993, ClinGen allele CA6251823.
Genomic context (GRCh38, chr11:102,949,108, plus strand): 5'-TGAGAAGGGTGCTCATATGCAGCATCAATACGGTTGGGAAGTTCTGGCCAAAATGATTTC[G>A]TTAAAAACAGCTCCGCATCAACCTGCTGAGGATGCAGGCGCCAGAAGAATCTAACACAAA-3'
Protein context (NP_002418.1, residues 313-333): PQQVDAELFL[Thr323Met]KSFWPELPNR

ClinVar aggregate classification (germline): Conflicting classifications of pathogenicity. Review status: criteria provided, conflicting classifications (1 of 4 stars). 3 submissions from 2 submitters: Uncertain significance (1); Benign (1); Likely benign (1). Last evaluated 2025-12-04.

Conditions:
Metaphyseal anadysplasia. Also called: Early-onset regressive form of metaphyseal dysplasia. Identifiers: Orphanet 1040, MedGen C0432226, MONDO:0015177.
Spondyloepimetaphyseal dysplasia, Missouri type. Identifiers: Orphanet 1040, Orphanet 93356, MedGen C1865832, MONDO:0011198, OMIM 602111.

Allele frequency attached by ClinVar (database versions not stated): TOPMed 0.00006; gnomAD exomes 0.00017 and 0.00031; gnomAD 0.00027 and 0.00029; 1000 Genomes Project 30x 0.00031; ExAC 0.00031; 1000 Genomes Project 0.00040.

Submissions (3):

Labcorp Genetics (formerly Invitae), Labcorp
Classification: Likely benign. Last evaluated: 2025-12-04. Review status: criteria provided, single submitter. Criteria: Invitae Variant Classification Sherloc (09022015). Collection method: clinical testing. Allele origin: germline.

Illumina Laboratory Services, Illumina
Classification: Benign for Metaphyseal anadysplasia. Last evaluated: 2018-01-13. Review status: criteria provided, single submitter. Criteria: ICSL Variant Classification Criteria 13 December 2019. Collection method: clinical testing. Allele origin: germline.
Comment: This variant was observed in the ICSL laboratory as part of a predisposition screen in an ostensibly healthy population. It had not been previously curated by ICSL or reported in the Human Gene Mutation Database (HGMD: prior to June 1st, 2018), and was therefore a candidate for classification through an automated scoring system. Utilizing variant allele frequency, disease prevalence and penetrance estimates, and inheritance mode, an automated score was calculated to assess if this variant is too frequent to cause the disease. Based on the score and internal cut-off values, a variant classified as benign is not then subjected to further curation. The score for this variant resulted in a classification of benign for this disease.

Illumina Laboratory Services, Illumina
Classification: Uncertain significance for Spondyloepimetaphyseal dysplasia, Missouri type. Last evaluated: 2018-01-13. Review status: criteria provided, single submitter. Criteria: ICSL Variant Classification Criteria 13 December 2019. Collection method: clinical testing. Allele origin: germline.